The following is an entry in ClinVar:

ClinVar aggregate classification (germline): Uncertain significance (1 of 4 stars; one submission).

Conditions:
3-methylglutaconic aciduria, type VIIA. Also called: 3-METHYLGLUTACONIC ACIDURIA WITH NEUROLOGIC INVOLVEMENT AND NEUTROPENIA, AUTOSOMAL DOMINANT. Identifiers: MedGen C5676967, MONDO:0859237, OMIM 619835.
3-methylglutaconic aciduria, type VIIB (MGCA7B). Also called: 3-methylglutaconic aciduria with cataracts, neurologic involvement and neutropenia; CLPB Deficiency; 3-methylglutaconic aciduria, type VII, with cataracts, neurologic involvement and neutropenia. Identifiers: Orphanet 445038, MedGen C5676893, MONDO:0014561, OMIM 616271.

Submission:

Clinical Genomics Laboratory, Washington University in St. Louis
Classification: Uncertain significance for 3-methylglutaconic aciduria, type VIIB; 3-methylglutaconic aciduria, type VIIA. Last evaluated: 2026-02-20. Review status: criteria provided, single submitter. Criteria: ACMG Guidelines, 2015. Collection method: clinical testing. Allele origin: germline.
Comment: The CLPB c.713C>G (p.Thr238Arg) variant, to our knowledge, has not been reported in the medical literature. This variant is absent from the general population (gnomAD v2.1.1), indicating it is not a common variant. Computational predictors indicate that the variant is damaging, evidence that correlates with impact to CLPB function. Another variant in the same codon, c.713C>T (p.Thr238Met) in a homozygous state, has been reported in affected individuals and is considered pathogenic (Saunders C et al., PMID: 25597511, ClinVar Variation ID: 187787). Due to limited information, and based on ACMG/AMP guidelines for variant interpretation (Richards S et al., PMID: 25741868), the clinical significance of this variant is uncertain at this time.

NM_001258392.3(CLPB):c.713C>G (p.Thr238Arg)

Gene: CLPB (ClpB family mitochondrial disaggregase; minus strand). Cytogenetic location: 11q13.4.
Variant type: single nucleotide variant.
Coding change: c.713C>G on transcript NM_001258392.3 (MANE Select); coding-DNA position 713, C replaced by G.
Protein change: p.Thr238Arg; replaces threonine 238 with arginine.
Molecular consequence: missense variant.
Genome position (GRCh38, 1-based): chr11:72,358,942, G>C on the plus strand (C>G on the coding strand, the complement: CLPB is on the minus strand). VCF-style: chr11-72358942-G-C. GRCh37 (hg19) VCF-style: chr11-72069986-G-C.
Other names: c.626C>G, p.Thr209Arg (NM_001258393.3); c.668C>G, p.Thr223Arg (NM_001258394.3); c.803C>G, p.Thr268Arg (NM_030813.6); short protein forms T209R, T223R, T238R, T268R.
Identifiers: ClinVar variation 4879236 (VCV004879236.1).